The following is an entry in ClinVar:

ClinVar aggregate classification (germline): Pathogenic. Review status: reviewed by expert panel (3 of 4 stars). 9 submissions from 9 submitters: Pathogenic (1). 8 of the submissions do not count toward it. Last evaluated 2016-09-08.

Conditions:
Hereditary cancer-predisposing syndrome. Also called: Neoplastic Syndromes, Hereditary; Hereditary Cancer Syndrome; Tumor predisposition; Hereditary neoplastic syndrome. Identifiers: Orphanet 140162, MedGen C0027672, MeSH D009386, MONDO:0015356.
Hereditary breast ovarian cancer syndrome. Also called: Hereditary breast and ovarian cancer syndrome; Hereditary breast and ovarian cancer; Hereditary breast and ovarian cancer syndrome (HBOC); Breast and ovarian cancer; BRCA1- and BRCA2-Associated Hereditary Breast and Ovarian Cancer; Hereditary breast and/or ovarian cancer syndrome. Identifiers: Orphanet 145, MedGen C0677776, MeSH D061325, MONDO:0003582. Disease mechanism: loss of function.
Breast-ovarian cancer, familial, susceptibility to, 2 (BROVCA2). Also called: BRCA2 Hereditary Breast and Ovarian Cancer. Identifiers: Orphanet 145, MedGen C2675520, MONDO:0012933, OMIM 612555. Disease mechanism: loss of function.
Familial cancer of breast. Also called: hereditary breast carcinoma; Hereditary breast cancer; BREAST CANCER, FAMILIAL. Identifiers: Orphanet 227535, MedGen C0346153, MONDO:0016419, OMIM 114480. Disease mechanism: loss of function.

Submissions (9):

Evidence-based Network for the Interpretation of Germline Mutant Alleles (ENIGMA)
Classification: Pathogenic for Breast-ovarian cancer, familial, susceptibility to, 2. Last evaluated: 2016-09-08. Review status: reviewed by expert panel. Criteria: ENIGMA BRCA1/2 Classification Criteria (2015). Collection method: curation. Allele origin: germline.
Comment: Variant allele predicted to encode a truncated non-functional protein.

Labcorp Genetics (formerly Invitae), Labcorp
Classification: Pathogenic for Hereditary breast ovarian cancer syndrome. Last evaluated: 2025-11-05. Review status: criteria provided, single submitter. Criteria: Invitae Variant Classification Sherloc (09022015). Collection method: clinical testing. Allele origin: germline. Not counted in ClinVar's aggregate classification.
Comment: This sequence change creates a premature translational stop signal (p.Ala2770Profs*7) in the BRCA2 gene. It is expected to result in an absent or disrupted protein product. Loss-of-function variants in BRCA2 are known to be pathogenic (PMID: 20104584). This variant is not present in population databases (gnomAD no frequency). This premature translational stop signal has been observed in individual(s) with BRCA2-related conditions (PMID: 21520333). ClinVar contains an entry for this variant (Variation ID: 91506). For these reasons, this variant has been classified as Pathogenic.

3billion
Classification: Pathogenic for Breast-ovarian cancer, familial, susceptibility to, 2. Last evaluated: 2025-05-09. Review status: criteria provided, single submitter. Criteria: ACMG Guidelines, 2015. Collection method: clinical testing. Allele origin: germline. Affected: yes. Not counted in ClinVar's aggregate classification.
Comment: The variant is not observed in the gnomAD v4.1.0 dataset. Predicted Consequence/Location: Frameshift: predicted to result in a loss or disruption of normal protein function through nonsense-mediated decay (NMD) or protein truncation. Multiple pathogenic variants are reported downstream of the variant. The variant has been reported multiple times as an established pathogenic variant (ClinVar ID: VCV000091506). Therefore, this variant is classified as Pathogenic according to the recommendation of ACMG/AMP guideline.

GeneDx
Classification: Pathogenic. Last evaluated: 2025-04-08. Review status: criteria provided, single submitter. Criteria: GeneDx Variant Classification Process June 2021. Collection method: clinical testing. Allele origin: germline. Affected: yes. Not counted in ClinVar's aggregate classification.
Comment: Identified in an individual referred for multi-gene panel testing with personal or family history of cancer (PMID: 31853058); Frameshift variant predicted to result in protein truncation or nonsense mediated decay in a gene for which loss of function is a known mechanism of disease; Truncating variants in this gene are considered pathogenic by a well-established clinical consortium and/or database; Not observed at significant frequency in large population cohorts (gnomAD); Also known as 8536del; This variant is associated with the following publications: (PMID: 20104584, 31853058)

Quest Diagnostics Nichols Institute San Juan Capistrano
Classification: Pathogenic. Last evaluated: 2023-06-21. Review status: criteria provided, single submitter. Criteria: Quest Diagnostics criteria. Collection method: clinical testing. Allele origin: unknown. Not counted in ClinVar's aggregate classification.
Comment: This variant alters the translational reading frame of the BRCA2 mRNA and causes the premature termination of BRCA2 protein synthesis. This variant has not been reported in the published literature. It also has not been reported in large, multi-ethnic general populations (Genome Aggregation Database). Based on the available information, this variant is classified as pathogenic.

Ambry Genetics
Classification: Pathogenic for Hereditary cancer-predisposing syndrome. Last evaluated: 2023-01-28. Review status: criteria provided, single submitter. Criteria: Ambry Variant Classification Scheme 2023. Collection method: clinical testing. Allele origin: germline. Not counted in ClinVar's aggregate classification.
Comment: The c.8308delG pathogenic mutation, located in coding exon 17 of the BRCA2 gene, results from a deletion of one nucleotide at nucleotide position 8308, causing a translational frameshift with a predicted alternate stop codon (p.A2770Pfs*7). This variant is considered to be rare based on population cohorts in the Genome Aggregation Database (gnomAD). This alteration is expected to result in loss of function by premature protein truncation or nonsense-mediated mRNA decay. As such, this alteration is interpreted as a disease-causing mutation.

Baylor Genetics
Classification: Pathogenic for Familial cancer of breast. Last evaluated: 2022-07-07. Review status: criteria provided, single submitter. Criteria: ACMG Guidelines, 2015. Collection method: clinical testing. Allele origin: unknown. Not counted in ClinVar's aggregate classification.

Color Diagnostics, LLC DBA Color Health
Classification: Pathogenic for Hereditary cancer-predisposing syndrome. Last evaluated: 2020-01-15. Review status: criteria provided, single submitter. Criteria: ACMG Guidelines, 2015. Collection method: clinical testing. Allele origin: germline. Not counted in ClinVar's aggregate classification.
Comment: This variant deletes 1 nucleotide in exon 18 of the BRCA2 gene, creating a frameshift and premature translation stop signal. This variant is expected to result in an absent or non-functional protein product. This variant has not been identified in the general population by the Genome Aggregation Database (gnomAD). Loss of BRCA2 function is a known mechanism of disease. Based on the available evidence, this variant is classified as Pathogenic.

Sharing Clinical Reports Project (SCRP)
Classification: Pathogenic for Breast-ovarian cancer, familial 2. Last evaluated: 2009-11-30. Review status: no assertion criteria provided. Collection method: clinical testing. Allele origin: germline. Not counted in ClinVar's aggregate classification.

Literature cited by the submitters: PubMed 20104584 (cited by Labcorp Genetics (formerly Invitae), Labcorp); PubMed 21520333 (cited by Labcorp Genetics (formerly Invitae), Labcorp).

NM_000059.4(BRCA2):c.8308del (p.Ala2770fs)

Gene: BRCA2 (BRCA2 DNA repair associated; plus strand). Cytogenetic location: 13q13.1.
Variant type: Deletion.
Coding change: c.8308del on transcript NM_000059.4 (MANE Select); coding-DNA position 8308, one base deleted (G; older notation c.8308delG).
Protein change: p.Ala2770fs; shifts the reading frame from alanine 2770.
Molecular consequence: frameshift variant.
Genome position (GRCh38, 1-based): chr13:32,363,510, G deleted. VCF-style (leftmost placement, unchanged base first): chr13-32363509-AG-A. GRCh37 (hg19) VCF-style: chr13-32937646-AG-A.
Other names: 8536delG; c.8308delG (NM_000059.3); short protein forms A2770fs.
Identifiers: ClinVar variation 91506 (VCV000091506.22), dbSNP rs398122601, ClinGen allele CA025560.
Genomic context (GRCh38, chr13:32,363,509, plus strand): 5'-GAAGATTATTCTTCATGGAGCAGAACTGGTGGGCTCTCCTGATGCCTGTACACCTCTTGA[AG>A]CCCCAGAATCTCTTATGTTAAAGGTAAATTAATTTGCACTCTTGGTAAAAATCAGTCATT-3'